The following is an entry in ClinVar:

NM_000371.4(TTR):c.220G>A (p.Glu74Lys)

Gene: TTR (transthyretin; plus strand). Cytogenetic location: 18q12.1.
Variant type: single nucleotide variant.
Coding change: c.220G>A on transcript NM_000371.4 (MANE Select); coding-DNA position 220, G replaced by A.
Protein change: p.Glu74Lys; replaces glutamic acid 74 with lysine.
Molecular consequence: missense variant.
Genome position (GRCh38, 1-based): chr18:31,595,139, G>A. VCF-style: chr18-31595139-G-A. GRCh37 (hg19) VCF-style: chr18-29175102-G-A.
Other names: short protein forms E74K.
Identifiers: ClinVar variation 636837 (VCV000636837.4), dbSNP rs1555631393, ClinGen allele CA402156924.

ClinVar aggregate classification (germline): Pathogenic. Review status: criteria provided, multiple submitters, no conflicts (2 of 4 stars). 2 submissions from 2 submitters: Pathogenic (2). Last evaluated 2022-05-04.

Conditions:
Cardiovascular phenotype. Identifiers: MedGen CN230736.
Amyloidosis, hereditary systemic 1 (AMYLD1). Also called: Familial amyloid polyneuropathy; Transthyretin Amyloidosis; Hereditary oculoleptomeningeal amyloid angiopathy; Familial Transthyretin Amyloidosis; AMYLOID CARDIOMYOPATHY; Hereditary Transthyretin Amyloidosis. Identifiers: Orphanet 85447, Orphanet 85451, MedGen C2751492, MONDO:0971004, OMIM 105210.

Submissions (2):

Mendelics
Classification: Pathogenic for Amyloidosis, hereditary systemic 1. Last evaluated: 2022-05-04. Review status: criteria provided, single submitter. Criteria: Mendelics Assertion Criteria 2019. Collection method: clinical testing. Allele origin: germline.

Ambry Genetics
Classification: Pathogenic for Cardiovascular phenotype. Last evaluated: 2019-05-16. Review status: criteria provided, single submitter. Criteria: Ambry Variant Classification Scheme 2023. Collection method: clinical testing. Allele origin: germline.
Comment: The p.E74K pathogenic mutation (also known as c.220G>A and E54K), located in coding exon 3 of the TTR gene, results from a G to A substitution at nucleotide position 220. The glutamic acid at codon 74 is replaced by lysine, an amino acid with similar properties. This mutation was identified in multiple individuals diagnosed with TTR amyloidosis or familial amyloid polyneuropathy (Togashi S et al. Neurology, 1999 Aug;53:637-9; Ihse E et al. Amyloid, 2013 Sep;20:142-50; Veronese C et al. Amyloid, 2013 Dec;20:269-71; Koike H et al. J. Neurol. Sci., 2018 11;394:99-106) and was shown to segregate with disease in 3 families (Busse A et al. Am. J. Med. Genet. A, 2004 Jul;128A:190-4; Rapezzi C et al. Eur. Heart J., 2013 Feb;34:520-8; Bekircan-Kurt CE et al. Neuromuscul. Disord., 2015 Sep;25:686-92). In addition, another disease-causing mutation, p.E74Q, has been described in the same codon (Rowczenio DM et al. Hum. Mutat., 2014 Sep;35:E2403-12). Based on the supporting evidence, this alteration is interpreted as a disease-causing mutation.

Literature cited by the submitters: PubMed 10449136 (cited by Ambry Genetics); PubMed 15214015 (cited by Ambry Genetics); PubMed 15820680 (cited by Ambry Genetics); PubMed 22745357 (cited by Ambry Genetics); PubMed 23713495 (cited by Ambry Genetics); PubMed 23905621 (cited by Ambry Genetics); PubMed 26115788 (cited by Ambry Genetics); PubMed 30243104 (cited by Ambry Genetics).